The following is an entry in ClinVar:

NM_024817.3(THSD4):c.1802G>A (p.Arg601Gln)

Gene: THSD4 (thrombospondin type 1 domain containing 4; plus strand). Cytogenetic location: 15q23.
Variant type: single nucleotide variant.
Coding change: c.1802G>A on transcript NM_024817.3 (MANE Select); coding-DNA position 1802, G replaced by A.
Protein change: p.Arg601Gln; replaces arginine 601 with glutamine.
Molecular consequence: missense variant.
Genome position (GRCh38, 1-based): chr15:71,737,903, G>A. VCF-style: chr15-71737903-G-A. GRCh37 (hg19) VCF-style: chr15-72030242-G-A.
Other names: c.722G>A, p.Arg241Gln (NM_001286429.2); c.1802G>A, p.Arg601Gln (NM_001394532.1); short protein forms R241Q, R601Q.
Identifiers: ClinVar variation 2629491 (VCV002629491.1), dbSNP rs199561497, ClinGen allele CA7639654.

ClinVar aggregate classification (germline): Uncertain significance (1 of 4 stars; one submission).

Conditions:
THSD4-related disorder. Also called: THSD4-related condition.

Allele frequency attached by ClinVar (database versions not stated): TOPMed 0.00002.
gnomAD v4.1: 8 of 1,614,110 alleles (0.0005%); highest among the groups gnomAD compares: Admixed American, 0.0033%; no homozygotes.

Submission:

PreventionGenetics, part of Exact Sciences
Classification: Uncertain significance for THSD4-related condition. Last evaluated: 2022-11-09. Review status: criteria provided, single submitter. Criteria: ACMG Guidelines, 2015. Collection method: clinical testing. Allele origin: germline.
Comment: The THSD4 c.1802G>A variant is predicted to result in the amino acid substitution p.Arg601Gln. To our knowledge, this variant has not been reported in the literature. This variant is reported in 0.0029% of alleles in individuals of Latino descent in gnomAD. At this time, the clinical significance of this variant is uncertain due to the absence of conclusive functional and genetic evidence.